The following is an entry in ClinVar:

ClinVar aggregate classification (germline): Pathogenic. Review status: criteria provided, multiple submitters, no conflicts (2 of 4 stars). 10 submissions from 10 submitters: Pathogenic (9). 1 of the submissions does not count toward it. Last evaluated 2025-12-03.

Conditions:
KCNJ2-related disorder. Also called: KCNJ2-related condition.
Cardiovascular phenotype. Identifiers: MedGen CN230736.
Familial long QT syndrome (RWS). Also called: Congenital long QT syndrome; Romano-Ward syndrome; VENTRICULAR FIBRILLATION WITH PROLONGED QT INTERVAL. Identifiers: Orphanet 768, MedGen C1141890, MONDO:0019171.
Andersen Tawil syndrome (LQT7). Also called: ANDERSEN CARDIODYSRHYTHMIC PERIODIC PARALYSIS; Andersen Syndrome; Potassium-sensitive periodic paralysis, ventricular ectopy, and dysmorphic features; LONG QT SYNDROME 7; PERIODIC PARALYSIS, POTASSIUM-SENSITIVE CARDIODYSRHYTHMIC TYPE. Identifiers: Orphanet 37553, MedGen C1563715, MONDO:0008222, OMIM 170390.
Atrial fibrillation, familial, 9 (ATFB9). Identifiers: MedGen C3151431, MONDO:0013513, OMIM 613980.
Short QT syndrome type 3. Identifiers: Orphanet 51083, MedGen C1865018, MONDO:0012314, OMIM 609622.

Submissions (10):

Labcorp Genetics (formerly Invitae), Labcorp
Classification: Pathogenic for Short QT syndrome type 3; Andersen Tawil syndrome. Last evaluated: 2025-12-03. Review status: criteria provided, single submitter. Criteria: Invitae Variant Classification Sherloc (09022015). Collection method: clinical testing. Allele origin: germline.
Comment: This sequence change replaces arginine, which is basic and polar, with glutamine, which is neutral and polar, at codon 218 of the KCNJ2 protein (p.Arg218Gln). This variant is not present in population databases (gnomAD no frequency). This missense change has been observed in individual(s) with Andersen-Tawil syndrome (PMID: 11371347, 12163457, 17211524, 17221872, 22589293, 23644778, 23867365). In at least one individual the variant was observed to be de novo. It has also been observed to segregate with disease in related individuals. ClinVar contains an entry for this variant (Variation ID: 67585). Invitae Evidence Modeling of protein sequence and biophysical properties (such as structural, functional, and spatial information, amino acid conservation, physicochemical variation, residue mobility, and thermodynamic stability) has been performed for this missense variant. However, the output from this modeling did not meet the statistical confidence thresholds required to predict the impact of this variant on KCNJ2 protein function. Experimental studies have shown that this missense change affects KCNJ2 function (PMID: 11371347, 12086641, 14522976, 16834334, 22002906). This variant disrupts the p.Arg281 amino acid residue in KCNJ2. Other variant(s) that disrupt this residue have been determined to be pathogenic (PMID: 11371347). This suggests that this residue is clinically significant, and that variants that disrupt this residue are likely to be disease-causing. For these reasons, this variant has been classified as Pathogenic.

Women's Health and Genetics/Laboratory Corporation of America, LabCorp
Classification: Pathogenic for Andersen Tawil syndrome. Last evaluated: 2024-05-13. Review status: criteria provided, single submitter. Criteria: LabCorp Variant Classification Summary - May 2015. Collection method: clinical testing. Allele origin: germline.
Comment: Variant summary: KCNJ2 c.653G>A (p.Arg218Gln) results in a conservative amino acid change located in the Inward rectifier potassium channel, C-terminal (IPR041647) of the encoded protein sequence. Four of five in-silico tools predict a damaging effect of the variant on protein function. The variant was absent in 252048 control chromosomes. c.653G>A has been reported in the literature in multiple individuals affected with Andersen-Tawil Syndrome (e.g. Plaster_2001, Tristani-Firouzi_2002, Haruna_2007, Choi_2007). These data indicate that the variant is very likely to be associated with disease. A different variant affecting the same codon has been classified as pathogenic by our lab (c.652C>T, p.Arg218Trp), supporting the critical relevance of codon 218 to KCNJ2 protein function. Multiple publications report experimental evidence and indicate an impact on protein function (Tristani-Firouzi_2002, Seebohm_2012, Bendahhou_2003). The following publications have been ascertained in the context of this evaluation (PMID: 12796536, 17221872, 11371347, 12163457, 14522976, 22002906, 17211524). ClinVar contains an entry for this variant (Variation ID: 67585). Based on the evidence outlined above, the variant was classified as pathogenic.

Blueprint Genetics
Classification: Pathogenic for KCNJ2-related disorders. Last evaluated: 2024-04-19. Review status: criteria provided, single submitter. Criteria: ACMG Guidelines, 2015. Collection method: clinical testing. Allele origin: germline. Affected: yes. Observed: 5 variant alleles.

GeneDx
Classification: Pathogenic. Last evaluated: 2023-07-28. Review status: criteria provided, single submitter. Criteria: GeneDx Variant Classification Process June 2021. Collection method: clinical testing. Allele origin: germline. Affected: yes.
Comment: Not observed at significant frequency in large population cohorts (gnomAD); Published functional studies demonstrate this variant exerts a dominant-negative effect on channel function (Bendahhou et al., 2003; Tristani-Firouzi et al., 2002); In silico analysis supports that this missense variant has a deleterious effect on protein structure/function; This variant is associated with the following publications: (PMID: 17211524, 32843460, 12909315, 22002906, 12163457, 17221872, 23867365, 11371347, 26109178, 16769944, 16834334, 16419128, 30298493, 23644778, 22581653, 12086641, 31509255, 31737537, 32810216, 32383558, 33094497, 33345742, 35460302, 35456365, 14522976, 22589293, 34919635)

Fulgent Genetics
Classification: Pathogenic for Andersen Tawil syndrome; Short QT syndrome type 3; Atrial fibrillation, familial, 9. Last evaluated: 2021-09-29. Review status: criteria provided, single submitter. Criteria: ACMG Guidelines, 2015. Collection method: clinical testing. Allele origin: unknown.

Ambry Genetics
Classification: Pathogenic for Cardiovascular phenotype. Last evaluated: 2019-12-23. Review status: criteria provided, single submitter. Criteria: Ambry Variant Classification Scheme 2023. Collection method: clinical testing. Allele origin: germline.
Comment: The p.R218Q pathogenic mutation (also known as c.653G>A), located in coding exon 1 of the KCNJ2 gene, results from a G to A substitution at nucleotide position 653. The arginine at codon 218 is replaced by glutamine, an amino acid with highly similar properties. This variant has been reported in multiple individuals with Andersen-Tawil syndrome (ATS), and has been reported to segregate with ATS in families (Plaster NM et al. Cell, 2001 May;105:511-9; Haruna Y et al. Hum. Mutat., 2007 Feb;28:208; Jagodziska M et al. Ann Noninvasive Electrocardiol, 2016 Mar;21:189-95; Choi BO et al. J. Hum. Genet., 2007 Jan;52:280-3; Choi BO et al. J. Hum. Genet., 2007 Jan;52:280-3). In vitro functional assays have indicated this variant to result in reduced channel current, and dominant negative effect (Tristani-Firouzi M et al. J. Clin. Invest., 2002 Aug;110:381-8; Bendahhou S et al. J. Biol. Chem., 2003 Dec;278:51779-85; Bendahhou S et al. J. Biol. Chem., 2003 Dec;278:51779-85). Based on the supporting evidence, this alteration is interpreted as a disease-causing mutation.

MVZ Martinsried, Medicover Genetics
Classification: Pathogenic for Andersen Tawil syndrome. Last evaluated: 2017-06-22. Review status: criteria provided, single submitter. Criteria: ACMG Guidelines, 2015. Collection method: clinical testing. Allele origin: unknown. Affected: yes.

Kasturba Medical College, Manipal, Kasturba Medical College, Manipal, Manipal Academy of Higher Education, Manipal, India
Classification: Pathogenic for Andersen Tawil syndrome. Review status: criteria provided, single submitter. Criteria: ACMG Guidelines, 2015. Collection method: clinical testing. Allele origin: unknown. Inheritance: Autosomal dominant inheritance. Affected: yes. Observed: 1 heterozygote.

Molecular Diagnostic Laboratory for Inherited Cardiovascular Disease, Montreal Heart Institute
Classification: Pathogenic for Andersen Tawil syndrome. Review status: criteria provided, single submitter. Criteria: ACMG Guidelines, 2015. Collection method: clinical testing. Allele origin: germline. Affected: yes.

Cardiovascular Biomedical Research Unit, Royal Brompton & Harefield NHS Foundation Trust
No classification provided. Condition: Familial long QT syndrome. Review status: no classification provided. Collection method: literature only. Allele origin: germline. Not counted in ClinVar's aggregate classification.
Comment: This variant has been reported in the following publications (PMID:11371347;PMID:12163457;PMID:17211524;PMID:17221872;PMID:22002906).

Literature cited by the submitters: PubMed 11371347 (cited by 4 submitters); PubMed 12163457 (cited by 4 submitters); PubMed 17211524 (cited by 4 submitters); PubMed 17221872 (cited by 4 submitters); PubMed 22589293 (cited by Labcorp Genetics (formerly Invitae), Labcorp); PubMed 23644778 (cited by Labcorp Genetics (formerly Invitae), Labcorp and Ambry Genetics); PubMed 23867365 (cited by Labcorp Genetics (formerly Invitae), Labcorp); PubMed 12086641 (cited by Labcorp Genetics (formerly Invitae), Labcorp and Ambry Genetics); PubMed 14522976 (cited by 3 submitters); PubMed 16834334 (cited by Labcorp Genetics (formerly Invitae), Labcorp); PubMed 22002906 (cited by 4 submitters); PubMed 12796536 (cited by Women's Health and Genetics/Laboratory Corporation of America, LabCorp); PubMed 16419128 (cited by Ambry Genetics); PubMed 26109178 (cited by Ambry Genetics); PubMed 30298493 (cited by Ambry Genetics); DOI 10.1016/s0092-8674(01)00342-7 (cited by Kasturba Medical College, Manipal, Kasturba Medical College, Manipal, Manipal Academy of Higher Education, Manipal, India); DOI 10.1074/jbc.M310278200 (cited by Kasturba Medical College, Manipal, Kasturba Medical College, Manipal, Manipal Academy of Higher Education, Manipal, India); PubMed 22581653 (cited by Cardiovascular Biomedical Research Unit, Royal Brompton & Harefield NHS Foundation Trust).

NM_000891.3(KCNJ2):c.653G>A (p.Arg218Gln)

Gene: KCNJ2 (potassium inwardly rectifying channel subfamily J member 2; plus strand). Cytogenetic location: 17q24.3.
Variant type: single nucleotide variant.
Coding change: c.653G>A on transcript NM_000891.3 (MANE Select); coding-DNA position 653, G replaced by A.
Protein change: p.Arg218Gln; replaces arginine 218 with glutamine.
Molecular consequence: missense variant.
Genome position (GRCh38, 1-based): chr17:70,175,692, G>A. VCF-style: chr17-70175692-G-A. GRCh37 (hg19) VCF-style: chr17-68171833-G-A.
Other names: c.653G>A (LRG_328t1); short protein forms R218Q.
Identifiers: ClinVar variation 67585 (VCV000067585.23), dbSNP rs199473384, ClinGen allele CA329699.